The following is an entry in ClinVar:

NM_023110.3(FGFR1):c.386A>C (p.Asp129Ala)

Gene: FGFR1 (fibroblast growth factor receptor 1; minus strand). Cytogenetic location: 8p11.23.
Variant type: single nucleotide variant.
Coding change: c.386A>C on transcript NM_023110.3 (MANE Select); coding-DNA position 386, A replaced by C.
Protein change: p.Asp129Ala; replaces aspartic acid 129 with alanine.
Molecular consequence: missense variant.
Genome position (GRCh38, 1-based): chr8:38,428,408, T>G on the plus strand (A>C on the coding strand, the complement: FGFR1 is on the minus strand). VCF-style: chr8-38428408-T-G. GRCh37 (hg19) VCF-style: chr8-38285926-T-G.
Other names: c.386A>C, p.Asp129Ala (NM_001174063.2, NM_001174065.2, NM_001354367.2 and 2 more transcripts); c.362A>C, p.Asp121Ala (NM_001174064.2); c.119A>C, p.Asp40Ala (NM_001174066.2, NM_001354368.2, NM_001354370.2 and 2 more transcripts); c.485A>C, p.Asp162Ala (NM_001174067.2); short protein forms D129A, D40A, D121A, D162A.
Identifiers: ClinVar variation 449298 (VCV000449298.12), dbSNP rs765615419, ClinGen allele CA4718764.
Genomic context (GRCh38, chr8:38,428,408, plus strand): 5'-ATACGGTTTGGTTTGGTGTTATCTGTTTCTTTCTCCTCTGAAGAGGAGTCATCATCATCA[T>G]CATCATCCTCCGAGGAGGGGAGAGCATCTATGGGAAGAAGAAGGGGCACTGAGGTTCCTC-3'
Protein context (NP_075598.2, residues 119-139): SDALPSSEDD[Asp129Ala]DDDDSSSEEK

ClinVar aggregate classification (germline): Conflicting classifications of pathogenicity. Review status: criteria provided, conflicting classifications (1 of 4 stars). 6 submissions from 6 submitters: Pathogenic (1); Uncertain significance (2); Likely benign (1). 2 of the submissions do not count toward it. Last evaluated 2025-10-13.

Conditions:
FGFR1-related disorder. Also called: FGFR1-related condition; FGFR1-related disorders. Identifiers: MedGen CN380097.
Hypogonadotropic hypogonadism 2 with or without anosmia (HH2). Also called: HYPOGONADOTROPIC HYPOGONADISM 2 WITHOUT ANOSMIA; HYPOGONADOTROPIC HYPOGONADISM 2 WITH OR WITHOUT ANOSMIA, SUSCEPTIBILITY TO; HYPOGONADOTROPIC HYPOGONADISM 2 WITHOUT ANOSMIA, SUSCEPTIBILITY TO; FGFR1-Related GnRH Deficiency (Kallmann Syndrome 2). Identifiers: Orphanet 478, MedGen C1563720, MONDO:0007844, OMIM 147950. Disease mechanism: loss of function.
Pfeiffer syndrome (ACS5). Also called: ACS V. Identifiers: Orphanet 710, MedGen C0220658, MONDO:0007043, OMIM 101600.

Allele frequency attached by ClinVar (database versions not stated): gnomAD 0.00001 and 0.00002; TOPMed 0.00002; ExAC 0.00014; gnomAD exomes 0.00014.
gnomAD v4.1: 80 of 1,613,864 alleles (0.005%); highest among the groups gnomAD compares: South Asian, 0.068%; no homozygotes.

Submissions (6):

Labcorp Genetics (formerly Invitae), Labcorp
Classification: Likely benign for Pfeiffer syndrome; Hypogonadotropic hypogonadism 2 with or without anosmia. Last evaluated: 2025-10-13. Review status: criteria provided, single submitter. Criteria: Invitae Variant Classification Sherloc (09022015). Collection method: clinical testing. Allele origin: germline.

Laboratory of Prof. Karen Avraham, Tel Aviv University
Classification: Pathogenic for Hypogonadotropic hypogonadism 2 with or without anosmia. Last evaluated: 2024-05-08. Review status: criteria provided, single submitter. Criteria: ACMG Guidelines, 2015. Collection method: research. Allele origin: germline. Affected: yes. Observed: 1 variant allele.
Comment: Pathogenic according to Deafness Variation Database

Autosomal dominant; normal-mild HL

PreventionGenetics, part of Exact Sciences
Classification: Uncertain significance for FGFR1-related condition. Last evaluated: 2023-01-04. Review status: criteria provided, single submitter. Criteria: ACMG Guidelines, 2015. Collection method: clinical testing. Allele origin: germline.
Comment: The FGFR1 c.386A>C variant is predicted to result in the amino acid substitution p.Asp129Ala. This variant was reported in an individual with Kallmann syndrome (Albuisson et al. 2005. PubMed ID: 15605412). This variant is reported in 0.088% of alleles in individuals of South Asian descent in gnomAD. At this time, the clinical significance of this variant is uncertain due to the absence of conclusive functional and genetic evidence.

GeneDx
Classification: Uncertain significance. Last evaluated: 2015-12-03. Review status: criteria provided, single submitter. Criteria: GeneDx Variant Classification (06012015). Collection method: clinical testing. Allele origin: germline. Affected: yes.
Comment: A variant of uncertain significance has been identified in the FGFR1 gene. The D129A variant has been previously published in association with Kallmann syndrome with cleft palate (Albuisson et al., 2005). The variant was not observed in approximately 6,100 individuals of European and African American ancestry in the NHLBI Exome Sequencing Project, indicating it is not a common benign variant in these populations. The D129A variant is a non-conservative amino acid substitution, which is likely to impact secondary protein structure as these residues differ in polarity, charge, size and/or other properties. This substitution occurs at a position within the acid box domain that is conserved across species, and in silico analysis predicts this variant is probably damaging to the protein structure/function. Therefore, based on the currently available information, it is unclear whether this variant is a pathogenic variant or a rare benign variant.

Clinical Genetics DNA and cytogenetics Diagnostics Lab, Erasmus MC, Erasmus Medical Center
Classification: Uncertain significance. Review status: no assertion criteria provided. Collection method: clinical testing. Allele origin: germline. Affected: yes. Study: VKGL Data-share Consensus. Not counted in ClinVar's aggregate classification.

Laboratory of Diagnostic Genome Analysis, Leiden University Medical Center (LUMC)
Classification: Uncertain significance. Review status: no assertion criteria provided. Collection method: clinical testing. Allele origin: germline. Affected: yes. Study: VKGL Data-share Consensus. Not counted in ClinVar's aggregate classification.